The following is an entry in ClinVar:

NC_000002.12:g.47803429_47807697del

Gene: MSH6 (mutS homolog 6; plus strand).
Variant type: Deletion.
Identifiers: ClinVar variation 850678 (VCV000850678.1).

ClinVar aggregate classification (germline): Pathogenic (1 of 4 stars; one submission).

Conditions:
Hereditary nonpolyposis colorectal neoplasms. Identifiers: MedGen C0009405, MeSH D003123.

Submission:

Labcorp Genetics (formerly Invitae), Labcorp
Classification: Pathogenic for Hereditary nonpolyposis colon cancer. Last evaluated: 2019-05-30. Review status: criteria provided, single submitter. Criteria: Invitae Variant Classification Sherloc (09022015). Collection method: clinical testing. Allele origin: germline.
Comment: This variant is a gross deletion of the genomic region encompassing exons 6-10 and part of exon 5 (c.3187_*840del) of the MSH6 gene. While this deletion is not anticipated to result in nonsense mediated decay, it is expected to create a truncated protein product or disrupt mRNA translation. This variant has not been reported in the literature in individuals with MSH6-related conditions. This variant disrupts the C-terminus of the MSH6 protein. Another variant that disrupts this region (p.Leu1330Valfs*12) has been determined to be pathogenic (PMID: 14520694, 15236168, 16237223, 19851887, 21155762, 26440929), and is a founder mutation in the Ashkenazi Jewish population (PMID: 21155762). This suggests that variants that disrupt this region of the protein are likely to be causative of disease. For these reasons, this variant has been classified as Pathogenic.

Literature cited by the submitters: PubMed 16237223; PubMed 15236168; PubMed 19851887; PubMed 21155762; PubMed 14520694; PubMed 26440929.